The following is an entry in ClinVar:

ClinVar aggregate classification (germline): Uncertain significance (1 of 4 stars; one submission).

Allele frequency attached by ClinVar (database versions not stated): gnomAD exomes below 0.00001.
gnomAD v4.1: 2 of 1,600,904 alleles (0.00012%); highest among the groups gnomAD compares: African/African-American, 0.0013%; no homozygotes.

Submission:

Labcorp Genetics (formerly Invitae), Labcorp
Classification: Uncertain significance. Last evaluated: 2022-01-28. Review status: criteria provided, single submitter. Criteria: Invitae Variant Classification Sherloc (09022015). Collection method: clinical testing. Allele origin: germline.
Comment: This sequence change replaces glutamine, which is neutral and polar, with histidine, which is basic and polar, at codon 17 of the CEP250 protein (p.Gln17His). This variant is not present in population databases (gnomAD no frequency). This variant has not been reported in the literature in individuals affected with CEP250-related conditions. Algorithms developed to predict the effect of missense changes on protein structure and function output the following: SIFT: "Not Available"; PolyPhen-2: "Possibly Damaging"; Align-GVGD: "Not Available". The histidine amino acid residue is found in multiple mammalian species, which suggests that this missense change does not adversely affect protein function. In summary, the available evidence is currently insufficient to determine the role of this variant in disease. Therefore, it has been classified as a Variant of Uncertain Significance.

NM_007186.6(CEP250):c.51G>C (p.Gln17His)

Gene: CEP250 (centrosomal protein 250; plus strand). Cytogenetic location: 20q11.22.
Variant type: single nucleotide variant.
Coding change: c.51G>C on transcript NM_007186.6 (MANE Select); coding-DNA position 51, G replaced by C.
Protein change: p.Gln17His; replaces glutamine 17 with histidine.
Molecular consequence: missense variant. On other transcripts: 5 prime UTR variant (1).
Genome position (GRCh38, 1-based): chr20:35,462,418, G>C. VCF-style: chr20-35462418-G-C. GRCh37 (hg19) VCF-style: chr20-34050243-G-C.
Other names: c.-1849G>C (NM_001318219.1); short protein forms Q17H.
Identifiers: ClinVar variation 2090797 (VCV002090797.1), dbSNP rs2515531726, ClinGen allele CA408751260.
Genomic context (GRCh38, chr20:35,462,418, plus strand): 5'-TGGTGCCCTCATGGAGACAAGAAGCCCTGGGTTGAACAACATGAAGCCCCAGTCACTGCA[G>C]CTGGTACTGGAAGAGCAGGTGCTGGCACTACAGCAGCAGATGGCAGAGAATCAGGCAGCC-3'
Protein context (NP_009117.2, residues 7-27): GLNNMKPQSL[Gln17His]LVLEEQVLAL